The following is an entry in ClinVar:

ClinVar aggregate classification (germline): Uncertain significance. Review status: criteria provided, multiple submitters, no conflicts (2 of 4 stars). 3 submissions from 3 submitters: Uncertain significance (2). 1 of the submissions does not count toward it. Last evaluated 2022-03-03.

Conditions:
SLC3A1-related disorder. Also called: SLC3A1-related condition.
Cystinuria (CSNU). Also called: Cystinuria, non-type I; CYSTINURIA, TYPE I; CYSTINURIA, TYPE II; CYSTINURIA, TYPE III. Identifiers: Orphanet 214, MedGen C0010691, MONDO:0009067, OMIM 220100, HP:0003131.

Allele frequency attached by ClinVar (database versions not stated): gnomAD 0.00003 and 0.00004; ExAC 0.00004; gnomAD exomes 0.00004 and 0.00007; TOPMed 0.00007.
gnomAD v4.1: 76 of 1,614,030 alleles (0.0047%); highest among the groups gnomAD compares: Admixed American, 0.033%; no homozygotes.

Submissions (3):

Fulgent Genetics
Classification: Uncertain significance for Cystinuria. Last evaluated: 2022-03-03. Review status: criteria provided, single submitter. Criteria: ACMG Guidelines, 2015. Collection method: clinical testing. Allele origin: unknown.

Labcorp Genetics (formerly Invitae), Labcorp
Classification: Uncertain significance for Cystinuria. Last evaluated: 2021-09-02. Review status: criteria provided, single submitter. Criteria: Invitae Variant Classification Sherloc (09022015). Collection method: clinical testing. Allele origin: germline.
Comment: This sequence change replaces threonine with alanine at codon 624 of the SLC3A1 protein (p.Thr624Ala). The threonine residue is highly conserved and there is a small physicochemical difference between threonine and alanine. This variant is present in population databases (rs781253461, ExAC 0.02%). This variant has not been reported in the literature in individuals affected with SLC3A1-related conditions. Algorithms developed to predict the effect of missense changes on protein structure and function are either unavailable or do not agree on the potential impact of this missense change (SIFT: "Deleterious"; PolyPhen-2: "Possibly Damaging"; Align-GVGD: "Class C0"). In summary, the available evidence is currently insufficient to determine the role of this variant in disease. Therefore, it has been classified as a Variant of Uncertain Significance.

PreventionGenetics, part of Exact Sciences
Classification: Uncertain significance for SLC3A1-related condition. Last evaluated: 2024-01-27. Review status: no assertion criteria provided. Collection method: clinical testing. Allele origin: germline. Not counted in ClinVar's aggregate classification.
Comment: The SLC3A1 c.1870A>G variant is predicted to result in the amino acid substitution p.Thr624Ala. To our knowledge, this variant has not been reported in the literature. This variant is reported in 0.026% of alleles in individuals of Latino descent in gnomAD. At this time, the clinical significance of this variant is uncertain due to the absence of conclusive functional and genetic evidence.

NM_000341.4(SLC3A1):c.1870A>G (p.Thr624Ala)

Genes: PREPL (prolyl endopeptidase like; minus strand), SLC3A1 (solute carrier family 3 member 1; plus strand). Cytogenetic location: 2p21.
Variant type: single nucleotide variant.
Coding change: c.1870A>G on transcript NM_000341.4 (MANE Select); coding-DNA position 1870, A replaced by G.
Protein change: p.Thr624Ala; replaces threonine 624 with alanine.
Molecular consequence: missense variant. On other transcripts: 3 prime UTR variant (10).
Genome position (GRCh38, 1-based): chr2:44,320,451, A>G. VCF-style: chr2-44320451-A-G. GRCh37 (hg19) VCF-style: chr2-44547590-A-G.
Other names: c.1870A>G (NM_000341.3); c.*905T>C (NM_001042385.2, NM_001042386.2, NM_001171603.1 and 7 more transcripts); short protein forms T624A.
Identifiers: ClinVar variation 1524575 (VCV001524575.8), dbSNP rs781253461, ClinGen allele CA1640784.
Genomic context (GRCh38, chr2:44,320,451, plus strand): 5'-CTGTTAAATCTACATAATATGATTTCGGGCCTTCCCGCTAAAATGAGAATAAGGTTAAGT[A>G]CCAATTCTGCCGACAAAGGCAGTAAAGTTGATACAAGTGGCATTTTTCTGGACAAGGGAG-3'
Protein context (NP_000332.2, residues 614-634): LPAKMRIRLS[Thr624Ala]NSADKGSKVD